The following is an entry in ClinVar:

NM_152594.3(SPRED1):c.175T>C (p.Phe59Leu)

Gene: SPRED1 (sprouty related EVH1 domain containing 1; plus strand). Cytogenetic location: 15q14.
Variant type: single nucleotide variant.
Coding change: c.175T>C on transcript NM_152594.3 (MANE Select); coding-DNA position 175, T replaced by C.
Protein change: p.Phe59Leu; replaces phenylalanine 59 with leucine.
Molecular consequence: missense variant.
Genome position (GRCh38, 1-based): chr15:38,299,515, T>C. VCF-style: chr15-38299515-T-C. GRCh37 (hg19) VCF-style: chr15-38591716-T-C.
Other names: short protein forms F59L.
Identifiers: ClinVar variation 3322362 (VCV003322362.2).

ClinVar aggregate classification (germline): Uncertain significance (1 of 4 stars; one submission).

Conditions:
Cardiovascular phenotype. Identifiers: MedGen CN230736.

Submission:

Ambry Genetics
Classification: Uncertain significance for Cardiovascular phenotype. Last evaluated: 2025-08-28. Review status: criteria provided, single submitter. Criteria: Ambry Variant Classification Scheme 2023. Collection method: clinical testing. Allele origin: germline.
Comment: The p.F59L variant (also known as c.175T>C), located in coding exon 2 of the SPRED1 gene, results from a T to C substitution at nucleotide position 175. The phenylalanine at codon 59 is replaced by leucine, an amino acid with highly similar properties. This amino acid position is conserved. In addition, the in silico prediction for this alteration is inconclusive. Based on the available evidence, the clinical significance of this variant remains unclear.